The following is an entry in ClinVar:

NM_001379451.1(BCORL1):c.1141G>A (p.Val381Met)

Gene: BCORL1 (BCL6 corepressor like 1; plus strand). Cytogenetic location: Xq26.1.
Variant type: single nucleotide variant.
Coding change: c.1141G>A on transcript NM_001379451.1 (MANE Select); coding-DNA position 1141, G replaced by A.
Protein change: p.Val381Met; replaces valine 381 with methionine.
Molecular consequence: missense variant.
Genome position (GRCh38, 1-based): chrX:130,013,913, G>A. VCF-style: chrX-130013913-G-A. GRCh37 (hg19) VCF-style: chrX-129147889-G-A.
Other names: c.1141G>A, p.Val381Met (NM_001184772.3, NM_001379450.1, NM_021946.5); short protein forms V381M.
Identifiers: ClinVar variation 1878552 (VCV001878552.1), dbSNP rs1166568453, ClinGen allele CA414580095.

ClinVar aggregate classification (germline): Uncertain significance (1 of 4 stars; one submission).

Conditions:
Shukla-Vernon syndrome. Identifiers: MedGen C5193146, MONDO:0026727, OMIM 301029.

Allele frequency attached by ClinVar (database versions not stated): gnomAD exomes below 0.00001.
gnomAD v4.1: 2 of 1,169,208 alleles (0.00017%); highest among the groups gnomAD compares: East Asian, 0.0032%; no homozygotes.

Submission:

Neuberg Centre For Genomic Medicine, NCGM
Classification: Uncertain significance for Shukla-Vernon syndrome. Review status: criteria provided, single submitter. Criteria: ACMG Guidelines, 2015. Collection method: clinical testing. Allele origin: germline. Affected: yes.
Comment: The amino acid Val at position 381 is changed to a Met changing protein sequence and it might alter its composition and physico-chemical properties. The p.Val381Met variant is novel (not in any individuals) in gnomAD Exomes and 1000 Genomes. The variant is predicted to be damaging by both SIFT and PolyPhen2. The residue is conserved across species. The amino acid change p.Val381Met in BCORL1 is predicted as conserved by GERP++. For these reasons, this variant has been classified as Uncertain Significance .